The following is an entry in ClinVar:

ClinVar aggregate classification (germline): Uncertain significance (1 of 4 stars; one submission).

Allele frequency attached by ClinVar (database versions not stated): gnomAD exomes below 0.00001; gnomAD 0.00001; TOPMed 0.00002.
gnomAD v4.1: 4 of 1,613,374 alleles (0.00025%); highest among the groups gnomAD compares: Non-Finnish European, 0.00034%; no homozygotes.

Submission:

Labcorp Genetics (formerly Invitae), Labcorp
Classification: Uncertain significance. Last evaluated: 2021-02-19. Review status: criteria provided, single submitter. Criteria: Invitae Variant Classification Sherloc (09022015). Collection method: clinical testing. Allele origin: germline.
Comment: In summary, the available evidence is currently insufficient to determine the role of this variant in disease. Therefore, it has been classified as a Variant of Uncertain Significance. Algorithms developed to predict the effect of missense changes on protein structure and function are either unavailable or do not agree on the potential impact of this missense change (SIFT: "Tolerated"; PolyPhen-2: "Possibly Damaging"; Align-GVGD: "Class C0"). This variant has not been reported in the literature in individuals with ADGRA3-related conditions. This variant is not present in population databases (ExAC no frequency). This sequence change replaces lysine with glutamic acid at codon 673 of the ADGRA3 protein (p.Lys673Glu). The lysine residue is highly conserved and there is a small physicochemical difference between lysine and glutamic acid.

NM_145290.4(ADGRA3):c.2017A>G (p.Lys673Glu)

Gene: ADGRA3 (adhesion G protein-coupled receptor A3; minus strand). Cytogenetic location: 4p15.2.
Variant type: single nucleotide variant.
Coding change: c.2017A>G on transcript NM_145290.4 (MANE Select); coding-DNA position 2017, A replaced by G.
Protein change: p.Lys673Glu; replaces lysine 673 with glutamic acid.
Molecular consequence: missense variant.
Genome position (GRCh38, 1-based): chr4:22,413,607, T>C on the plus strand (A>G on the coding strand, the complement: ADGRA3 is on the minus strand). VCF-style: chr4-22413607-T-C. GRCh37 (hg19) VCF-style: chr4-22415230-T-C.
Other names: short protein forms K673E.
Identifiers: ClinVar variation 1410628 (VCV001410628.8), dbSNP rs1413427790, ClinGen allele CA356479881.